The following is an entry in ClinVar:

ClinVar aggregate classification (germline): Uncertain significance (1 of 4 stars; one submission).

Allele frequency attached by ClinVar (database versions not stated): gnomAD 0.00001.
gnomAD v4.1: 1 of 1,612,978 alleles (0.000062%); highest among the groups gnomAD compares: Non-Finnish European, 0.000085%; no homozygotes.

Submission:

Labcorp Genetics (formerly Invitae), Labcorp
Classification: Uncertain significance. Last evaluated: 2024-09-29. Review status: criteria provided, single submitter. Criteria: Invitae Variant Classification Sherloc (09022015). Collection method: clinical testing. Allele origin: germline.
Comment: This sequence change replaces tyrosine, which is neutral and polar, with cysteine, which is neutral and slightly polar, at codon 223 of the HOXB13 protein (p.Tyr223Cys). This variant is not present in population databases (gnomAD no frequency). This variant has not been reported in the literature in individuals affected with HOXB13-related conditions. ClinVar contains an entry for this variant (Variation ID: 1350894). Invitae Evidence Modeling of protein sequence and biophysical properties (such as structural, functional, and spatial information, amino acid conservation, physicochemical variation, residue mobility, and thermodynamic stability) indicates that this missense variant is expected to disrupt HOXB13 protein function with a positive predictive value of 80%. In summary, the available evidence is currently insufficient to determine the role of this variant in disease. Therefore, it has been classified as a Variant of Uncertain Significance.

NM_006361.6(HOXB13):c.668A>G (p.Tyr223Cys)

Gene: HOXB13 (homeobox B13; minus strand). Cytogenetic location: 17q21.32.
Variant type: single nucleotide variant.
Coding change: c.668A>G on transcript NM_006361.6 (MANE Select); coding-DNA position 668, A replaced by G.
Protein change: p.Tyr223Cys; replaces tyrosine 223 with cysteine.
Molecular consequence: missense variant.
Genome position (GRCh38, 1-based): chr17:48,726,977, T>C on the plus strand (A>G on the coding strand, the complement: HOXB13 is on the minus strand). VCF-style: chr17-48726977-T-C. GRCh37 (hg19) VCF-style: chr17-46804339-T-C.
Other names: short protein forms Y223C.
Identifiers: ClinVar variation 1350894 (VCV001350894.8), dbSNP rs2038218249, ClinGen allele CA400106743.